The following is an entry in ClinVar:

NM_004204.5(PIGQ):c.643C>G (p.Leu215Val)

Gene: PIGQ (phosphatidylinositol glycan anchor biosynthesis class Q; plus strand). Cytogenetic location: 16p13.3.
Variant type: single nucleotide variant.
Coding change: c.643C>G on transcript NM_004204.5 (MANE Select); coding-DNA position 643, C replaced by G.
Protein change: p.Leu215Val; replaces leucine 215 with valine.
Molecular consequence: missense variant.
Genome position (GRCh38, 1-based): chr16:574,717, C>G. VCF-style: chr16-574717-C-G. GRCh37 (hg19) VCF-style: chr16-624717-C-G.
Other names: c.643C>G, p.Leu215Val (NM_148920.4); short protein forms L215V.
Identifiers: ClinVar variation 576415 (VCV000576415.8), dbSNP rs1567175086, ClinGen allele CA394050059.

ClinVar aggregate classification (germline): Uncertain significance (1 of 4 stars; one submission).

Conditions:
Epilepsy. Also called: Seizure disorder. Identifiers: MedGen C0014544, MeSH D004827, MONDO:0005027.

Submission:

Labcorp Genetics (formerly Invitae), Labcorp
Classification: Uncertain significance for Epilepsy. Last evaluated: 2020-03-05. Review status: criteria provided, single submitter. Criteria: Invitae Variant Classification Sherloc (09022015). Collection method: clinical testing. Allele origin: germline.
Comment: Algorithms developed to predict the effect of missense changes on protein structure and function (SIFT, PolyPhen-2, Align-GVGD) all suggest that this variant is likely to be tolerated, but these predictions have not been confirmed by published functional studies and their clinical significance is uncertain. This variant has not been reported in the literature in individuals with PIGQ-related disease. This variant is not present in population databases (ExAC no frequency). This sequence change replaces leucine with valine at codon 215 of the PIGQ protein (p.Leu215Val). The leucine residue is moderately conserved and there is a small physicochemical difference between leucine and valine. In summary, the available evidence is currently insufficient to determine the role of this variant in disease. Therefore, it has been classified as a Variant of Uncertain Significance.